The following is an entry in ClinVar:

NM_198428.3(BBS9):c.2101G>A (p.Gly701Arg)

Gene: BBS9 (Bardet-Biedl syndrome 9; plus strand). Cytogenetic location: 7p14.3.
Variant type: single nucleotide variant.
Coding change: c.2101G>A on transcript NM_198428.3 (MANE Select); coding-DNA position 2101, G replaced by A.
Protein change: p.Gly701Arg; replaces glycine 701 with arginine.
Molecular consequence: missense variant. On other transcripts: non-coding transcript variant (3).
Genome position (GRCh38, 1-based): chr7:33,388,130, G>A. VCF-style: chr7-33388130-G-A. GRCh37 (hg19) VCF-style: chr7-33427742-G-A.
Other names: c.1996G>A, p.Gly666Arg (NM_001033604.2); c.2101G>A, p.Gly701Arg (NM_001362679.1, NM_001412127.2, NM_001412128.2 and 3 more transcripts); c.1981G>A, p.Gly661Arg (NM_014451.4, NM_001348040.3); c.2086G>A, p.Gly696Arg (NM_001033605.2); c.1735G>A, p.Gly579Arg (NM_001348037.3, NM_001348045.3, NM_001348046.3); c.1828G>A, p.Gly610Arg (NM_001348038.3); c.1723G>A, p.Gly575Arg (NM_001348039.3); c.1966G>A, p.Gly656Arg (NM_001348042.3); and 1 more; short protein forms G579R, G666R, G696R, G575R, G656R, G661R, G701R, G544R.
Identifiers: ClinVar variation 2908615 (VCV002908615.4), dbSNP rs2536370644, ClinGen allele CA367254293.

ClinVar aggregate classification (germline): Uncertain significance. Review status: criteria provided, multiple submitters, no conflicts (2 of 4 stars). 2 submissions from 2 submitters: Uncertain significance (2). Last evaluated 2024-04-07.

Conditions:
Bardet-Biedl syndrome 9 (BBS9). Identifiers: Orphanet 110, MedGen C1859567, MONDO:0014437, OMIM 615986.
Bardet-Biedl syndrome (BBS). Identifiers: Orphanet 110, MedGen C0752166, MONDO:0015229.

Allele frequency attached by ClinVar (database versions not stated): gnomAD exomes below 0.00001.
gnomAD v4.1: 3 of 1,614,124 alleles (0.00019%); highest among the groups gnomAD compares: Non-Finnish European, 0.00025%; no homozygotes.

Submissions (2):

Fulgent Genetics
Classification: Uncertain significance for Bardet-Biedl syndrome 9. Last evaluated: 2024-04-07. Review status: criteria provided, single submitter. Criteria: ACMG Guidelines, 2015. Collection method: clinical testing. Allele origin: germline.

Labcorp Genetics (formerly Invitae), Labcorp
Classification: Uncertain significance for Bardet-Biedl syndrome. Last evaluated: 2023-11-27. Review status: criteria provided, single submitter. Criteria: Invitae Variant Classification Sherloc (09022015). Collection method: clinical testing. Allele origin: germline.
Comment: This sequence change replaces glycine, which is neutral and non-polar, with arginine, which is basic and polar, at codon 701 of the BBS9 protein (p.Gly701Arg). This variant is not present in population databases (gnomAD no frequency). This variant has not been reported in the literature in individuals affected with BBS9-related conditions. Advanced modeling of protein sequence and biophysical properties (such as structural, functional, and spatial information, amino acid conservation, physicochemical variation, residue mobility, and thermodynamic stability) performed at Invitae indicates that this missense variant is not expected to disrupt BBS9 protein function with a negative predictive value of 80%. In summary, the available evidence is currently insufficient to determine the role of this variant in disease. Therefore, it has been classified as a Variant of Uncertain Significance.